The following is an entry in ClinVar:

NM_006876.3(B4GAT1):c.173A>G (p.Gln58Arg)

Gene: B4GAT1 (beta-1,4-glucuronyltransferase 1; minus strand). Cytogenetic location: 11q13.2.
Variant type: single nucleotide variant.
Coding change: c.173A>G on transcript NM_006876.3 (MANE Select); coding-DNA position 173, A replaced by G.
Protein change: p.Gln58Arg; replaces glutamine 58 with arginine.
Molecular consequence: missense variant.
Genome position (GRCh38, 1-based): chr11:66,347,373, T>C on the plus strand (A>G on the coding strand, the complement: B4GAT1 is on the minus strand). VCF-style: chr11-66347373-T-C. GRCh37 (hg19) VCF-style: chr11-66114844-T-C.
Other names: short protein forms Q58R.
Identifiers: ClinVar variation 474249 (VCV000474249.6), dbSNP rs1555016650, ClinGen allele CA381418940.

ClinVar aggregate classification (germline): Uncertain significance (1 of 4 stars; one submission).

Conditions:
Muscular dystrophy-dystroglycanopathy (congenital with brain and eye anomalies), type A13. Also called: WALKER-WARBURG SYNDROME OR MUSCLE-EYE-BRAIN DISEASE, B3GNT1-RELATED; Muscular dystrophy-dystroglycanopathy (congenital with brain and eye anomalies), type a, 13. Identifiers: Orphanet 899, MedGen C3809042, MONDO:0014120, OMIM 615287.

Submission:

Labcorp Genetics (formerly Invitae), Labcorp
Classification: Uncertain significance for Muscular dystrophy-dystroglycanopathy (congenital with brain and eye anomalies), type A13. Last evaluated: 2021-09-01. Review status: criteria provided, single submitter. Criteria: Invitae Variant Classification Sherloc (09022015). Collection method: clinical testing. Allele origin: germline.
Comment: This sequence change replaces glutamine with arginine at codon 58 of the B4GAT1 protein (p.Gln58Arg). The glutamine residue is moderately conserved and there is a small physicochemical difference between glutamine and arginine. This variant is not present in population databases (ExAC no frequency). This variant has not been reported in the literature in individuals affected with B4GAT1-related conditions. Algorithms developed to predict the effect of missense changes on protein structure and function (SIFT, PolyPhen-2, Align-GVGD) all suggest that this variant is likely to be tolerated. In summary, the available evidence is currently insufficient to determine the role of this variant in disease. Therefore, it has been classified as a Variant of Uncertain Significance.